The following is an entry in ClinVar:

NM_001035.3(RYR2):c.8350G>T (p.Ala2784Ser)

Gene: RYR2 (ryanodine receptor 2; plus strand). Cytogenetic location: 1q43.
Variant type: single nucleotide variant.
Coding change: c.8350G>T on transcript NM_001035.3 (MANE Select); coding-DNA position 8350, G replaced by T.
Protein change: p.Ala2784Ser; replaces alanine 2784 with serine.
Molecular consequence: missense variant.
Genome position (GRCh38, 1-based): chr1:237,660,861, G>T. VCF-style: chr1-237660861-G-T. GRCh37 (hg19) VCF-style: chr1-237824161-G-T.
Other names: short protein forms A2784S.
Identifiers: ClinVar variation 1473204 (VCV001473204.9), dbSNP rs1458501318, ClinGen allele CA345401840.

ClinVar aggregate classification (germline): Uncertain significance. Review status: criteria provided, multiple submitters, no conflicts (2 of 4 stars). 3 submissions from 3 submitters: Uncertain significance (3). Last evaluated 2023-03-09.

Conditions:
Catecholaminergic polymorphic ventricular tachycardia (CVPT). Also called: Catecholamine-induced polymorphic ventricular tachycardia. Identifiers: Orphanet 3286, MedGen C5574922, MONDO:0017990.
Catecholaminergic polymorphic ventricular tachycardia 1. Also called: VENTRICULAR TACHYCARDIA, CATECHOLAMINERGIC POLYMORPHIC, 1, WITH OR WITHOUT ATRIAL DYSFUNCTION AND/OR DILATED CARDIOMYOPATHY; RYR2-Related Catecholaminergic Polymorphic Ventricular Tachycardia; VENTRICULAR TACHYCARDIA, STRESS-INDUCED POLYMORPHIC 1. Identifiers: Orphanet 3286, MedGen C1631597, MONDO:0011484, OMIM 604772.

Allele frequency attached by ClinVar (database versions not stated): gnomAD exomes below 0.00001.
gnomAD v4.1: 4 of 1,546,120 alleles (0.00026%); highest among the groups gnomAD compares: East Asian, 0.0098%; no homozygotes.

Submissions (3):

All of Us Research Program, National Institutes of Health
Classification: Uncertain significance for Catecholaminergic polymorphic ventricular tachycardia. Last evaluated: 2023-03-09. Review status: criteria provided, single submitter. Criteria: ACMG Guidelines, 2015. Collection method: clinical testing. Allele origin: germline. Inheritance: Autosomal dominant inheritance. Observed: 1 variant allele, 1 heterozygote.
Comment: This missense variant replaces alanine with serine at codon 2784 of the RYR2 protein. Computational prediction is inconclusive regarding the impact of this variant on protein structure and function (internally defined REVEL score threshold 0.5 < inconclusive < 0.7, PMID: 27666373). To our knowledge, functional studies have not been reported for this variant. This variant has not been reported in individuals affected with RYR2-related disorders in the literature. This variant has not been identified in the general population by the Genome Aggregation Database (gnomAD). The available evidence is insufficient to determine the role of this variant in disease conclusively. Therefore, this variant is classified as a Variant of Uncertain Significance.

This study involves interpretation of variants in research participants for the purpose of population health screening. Participant phenotype was not available at the time of variant classification. Additional details can be found in publication PMID: 35346344, PMCID: PMC8962531

Labcorp Genetics (formerly Invitae), Labcorp
Classification: Uncertain significance for Catecholaminergic polymorphic ventricular tachycardia 1. Last evaluated: 2022-09-01. Review status: criteria provided, single submitter. Criteria: Invitae Variant Classification Sherloc (09022015). Collection method: clinical testing. Allele origin: germline.
Comment: In summary, the available evidence is currently insufficient to determine the role of this variant in disease. Therefore, it has been classified as a Variant of Uncertain Significance. This sequence change replaces alanine, which is neutral and non-polar, with serine, which is neutral and polar, at codon 2784 of the RYR2 protein (p.Ala2784Ser). This variant is not present in population databases (gnomAD no frequency). This variant has not been reported in the literature in individuals affected with RYR2-related conditions. ClinVar contains an entry for this variant (Variation ID: 1473204). Advanced modeling of protein sequence and biophysical properties (such as structural, functional, and spatial information, amino acid conservation, physicochemical variation, residue mobility, and thermodynamic stability) performed at Invitae indicates that this missense variant is expected to disrupt RYR2 protein function.

Blueprint Genetics
Classification: Uncertain significance. Last evaluated: 2019-01-16. Review status: criteria provided, single submitter. Criteria: ACMG Guidelines, 2015. Collection method: clinical testing. Allele origin: germline.